The following is an entry in ClinVar:

ClinVar aggregate classification (germline): Conflicting classifications of pathogenicity. Review status: criteria provided, conflicting classifications (1 of 4 stars). 2 submissions from 2 submitters: Uncertain significance (1); Likely benign (1). Last evaluated 2022-11-01.

Conditions:
Rhabdoid tumor predisposition syndrome 2 (RTPS2). Identifiers: Orphanet 231108, Orphanet 69077, MedGen C2750074, MONDO:0013224, OMIM 613325.
Hereditary cancer-predisposing syndrome. Also called: Hereditary Cancer Syndrome; Hereditary neoplastic syndrome; Neoplastic Syndromes, Hereditary; Tumor predisposition. Identifiers: Orphanet 140162, MedGen C0027672, MeSH D009386, MONDO:0015356.

Submissions (2):

Labcorp Genetics (formerly Invitae), Labcorp
Classification: Likely benign for Rhabdoid tumor predisposition syndrome 2. Last evaluated: 2022-11-01. Review status: criteria provided, single submitter. Criteria: Invitae Variant Classification Sherloc (09022015). Collection method: clinical testing. Allele origin: germline.

Ambry Genetics
Classification: Uncertain significance for Hereditary cancer-predisposing syndrome. Last evaluated: 2021-08-30. Review status: criteria provided, single submitter. Criteria: Ambry Variant Classification Scheme 2023. Collection method: clinical testing. Allele origin: germline.
Comment: The c.2124-6_2124-4dupTCC intronic variant, results from a duplication of 6 nucleotides at nucleotide position 2124 before intron 13 of the SMARCA4 gene. This nucleotide region is not well conserved in available vertebrate species. In silico splice site analysis predicts that this alteration will not have any significant effect on splicing. Since supporting evidence is limited at this time, the clinical significance of this alteration remains unclear.

NM_003072.5(SMARCA4):c.2124-6_2124-4dup

Gene: SMARCA4 (SWI/SNF related BAF chromatin remodeling complex subunit ATPase 4; plus strand). Cytogenetic location: 19p13.2.
Variant type: Duplication.
Coding change: c.2124-6_2124-4dup on transcript NM_003072.5 (MANE Select); 6 bases into the intron before coding-DNA position 2124 through 4 bases into the intron before coding-DNA position 2124, 3 bases duplicated (TCC; older notation c.2124-6_2124-4dupTCC).
Molecular consequence: intron variant.
Genome position (GRCh38, 1-based): chr19:11,010,375-11,010,377, TCC duplicated; duplicating any 3 consecutive bases within chr19:11,010,374-11,010,377 gives the same sequence; the c. name uses the placement nearest the transcript's 3' end. VCF-style (leftmost placement, unchanged base first): chr19-11010373-A-ACTC. GRCh37 (hg19) VCF-style: chr19-11121049-A-ACTC.
Other names: c.2124-6_2124-4dup (NM_001128844.3, NM_001128849.3, NM_001128847.4 and 4 more transcripts).
Identifiers: ClinVar variation 754202 (VCV000754202.10), dbSNP rs1315418086, ClinGen allele CA631756508.